The following is an entry in ClinVar:

NM_001039591.3(USP9X):c.4163A>G (p.Asn1388Ser)

Gene: USP9X (ubiquitin specific peptidase 9 X-linked; plus strand). Cytogenetic location: Xp11.4.
Variant type: single nucleotide variant.
Coding change: c.4163A>G on transcript NM_001039591.3 (MANE Select); coding-DNA position 4163, A replaced by G.
Protein change: p.Asn1388Ser; replaces asparagine 1388 with serine.
Molecular consequence: missense variant.
Genome position (GRCh38, 1-based): chrX:41,196,668, A>G. VCF-style: chrX-41196668-A-G. GRCh37 (hg19) VCF-style: chrX-41055921-A-G.
Other names: c.4163A>G, p.Asn1388Ser (NM_001039590.3); short protein forms N1388S.
Identifiers: ClinVar variation 520886 (VCV000520886.14), dbSNP rs369178019, ClinGen allele CA10388828.

ClinVar aggregate classification (germline): Conflicting classifications of pathogenicity. Review status: criteria provided, conflicting classifications (1 of 4 stars). 5 submissions from 5 submitters: Uncertain significance (2); Benign (1); Likely benign (1). 1 of the submissions does not count toward it. Last evaluated 2025-08-01.

Conditions:
Intellectual developmental disorder, X-linked 99. Also called: Intellectual disability, X-linked 99. Identifiers: Orphanet 777, MedGen C3806746, MONDO:0010487, OMIM 300919.
Intellectual developmental disorder, X-linked 99, syndromic, female-restricted. Also called: Intellectual disability, X-linked 99, syndromic, female-restricted. Identifiers: MedGen C4225416, MONDO:0010502, OMIM 300968.
USP9X-related disorder. Also called: USP9X-related condition.
Inborn genetic diseases. Identifiers: MedGen C0950123, MeSH D030342.

Allele frequency attached by ClinVar (database versions not stated): gnomAD 0.00019; TOPMed 0.00042; gnomAD exomes 0.00005 and 0.00010; ExAC 0.00007; ESP Exome Variant Server 0.00010.
gnomAD v4.1: 78 of 1,199,715 alleles (0.0065%); highest among the groups gnomAD compares: Admixed American, 0.087%; no homozygotes.

Submissions (5):

Labcorp Genetics (formerly Invitae), Labcorp
Classification: Benign. Last evaluated: 2025-08-01. Review status: criteria provided, single submitter. Criteria: Invitae Variant Classification Sherloc (09022015). Collection method: clinical testing. Allele origin: germline.

GeneDx
Classification: Likely benign. Last evaluated: 2021-01-06. Review status: criteria provided, single submitter. Criteria: GeneDx Variant Classification Process June 2021. Collection method: clinical testing. Allele origin: germline. Affected: yes.

Fulgent Genetics
Classification: Uncertain significance for Intellectual developmental disorder, X-linked 99; Intellectual developmental disorder, X-linked 99, syndromic, female-restricted. Last evaluated: 2018-10-31. Review status: criteria provided, single submitter. Criteria: ACMG Guidelines, 2015. Collection method: clinical testing. Allele origin: unknown.

Ambry Genetics
Classification: Uncertain significance for Inborn genetic diseases. Last evaluated: 2015-12-02. Review status: criteria provided, single submitter. Criteria: Ambry exome assertion method (8-5-2015). Collection method: clinical testing. Allele origin: germline. Affected: yes. Observed: 1 variant allele.

PreventionGenetics, part of Exact Sciences
Classification: Likely benign for USP9X-related condition. Last evaluated: 2022-08-17. Review status: no assertion criteria provided. Collection method: clinical testing. Allele origin: germline. Not counted in ClinVar's aggregate classification.
Comment: This variant is classified as likely benign based on ACMG/AMP sequence variant interpretation guidelines (Richards et al. 2015 PMID: 25741868, with internal and published modifications).